The following is an entry in ClinVar:

NM_000037.4(ANK1):c.1197G>A (p.Ala399=)

Gene: ANK1 (ankyrin 1; minus strand). Cytogenetic location: 8p11.21.
Variant type: single nucleotide variant.
Coding change: c.1197G>A on transcript NM_000037.4 (MANE Select); coding-DNA position 1197, G replaced by A.
Protein change: p.Ala399=; no amino-acid change (alanine 399 retained).
Molecular consequence: synonymous variant.
Genome position (GRCh38, 1-based): chr8:41,718,115, C>T on the plus strand (G>A on the coding strand, the complement: ANK1 is on the minus strand). VCF-style: chr8-41718115-C-T. GRCh37 (hg19) VCF-style: chr8-41575633-C-T.
Other names: p.Ala399=; c.1296G>A, p.Ala432= (NM_001142446.2); c.1197G>A, p.Ala399= (NM_020475.3, NM_020476.3, NM_020477.3).
Identifiers: ClinVar variation 908233 (VCV000908233.35), dbSNP rs756075877, ClinGen allele CA4728703.

ClinVar aggregate classification (germline): Conflicting classifications of pathogenicity. Review status: criteria provided, conflicting classifications (1 of 4 stars). 5 submissions from 4 submitters: Uncertain significance (2); Likely benign (3). Last evaluated 2024-11-11.

Conditions:
Hereditary spherocytosis type 1. Also called: Spherocytosis type 1; ANK1-Related Spherocytosis. Identifiers: Orphanet 822, MedGen C2674218, MONDO:0008447, OMIM 182900.
Spherocytosis. Identifiers: MedGen C0553720, HP:0004444.

Allele frequency attached by ClinVar (database versions not stated): gnomAD 0.00005; TOPMed 0.00005.
gnomAD v4.1: 62 of 1,613,754 alleles (0.0038%); highest among the groups gnomAD compares: Admixed American, 0.022%; no homozygotes.

Submissions (5):

Mayo Clinic Laboratories, Mayo Clinic
Classification: Likely benign. Last evaluated: 2024-11-11. Review status: criteria provided, single submitter. Criteria: ACMG Guidelines, 2015. Collection method: clinical testing. Allele origin: germline. Observed: 1 variant allele.

CeGaT Center for Human Genetics Tuebingen
Classification: Likely benign. Last evaluated: 2023-09-01. Review status: criteria provided, single submitter. Criteria: CeGaT Center For Human Genetics Tuebingen Variant Classification Criteria Version 2. Collection method: clinical testing. Allele origin: germline. Affected: yes. Observed: 1 variant allele.
Comment: ANK1: BP4, BP7

ARUP Laboratories, Molecular Genetics and Genomics, ARUP Laboratories
Classification: Likely benign for Hereditary spherocytosis type 1. Last evaluated: 2021-12-19. Review status: criteria provided, single submitter. Criteria: ARUP Molecular Germline Variant Investigation Process 2021. Collection method: clinical testing. Allele origin: germline.

Illumina Laboratory Services, Illumina
Classification: Uncertain significance for Spherocytosis. Last evaluated: 2018-01-15. Review status: criteria provided, single submitter. Criteria: ICSL Variant Classification Criteria 13 December 2019. Collection method: clinical testing. Allele origin: germline.

Illumina Laboratory Services, Illumina
Classification: Uncertain significance for Hereditary spherocytosis type 1. Last evaluated: 2018-01-15. Review status: criteria provided, single submitter. Criteria: ICSL Variant Classification Criteria 13 December 2019. Collection method: clinical testing. Allele origin: germline.